The following is an entry in ClinVar:

ClinVar aggregate classification (germline): Uncertain significance (1 of 4 stars; one submission).

Submission:

GeneDx
Classification: Uncertain significance. Last evaluated: 2023-03-15. Review status: criteria provided, single submitter. Criteria: GeneDx Variant Classification Process June 2021. Collection method: clinical testing. Allele origin: germline. Affected: yes.
Comment: Not observed at significant frequency in large population cohorts (gnomAD); In silico analysis supports that this missense variant does not alter protein structure/function; Has not been previously published as pathogenic or benign to our knowledge

NM_004415.4(DSP):c.2753G>T (p.Gly918Val)

Gene: DSP (desmoplakin; plus strand). Cytogenetic location: 6p24.3.
Variant type: single nucleotide variant.
Coding change: c.2753G>T on transcript NM_004415.4 (MANE Select); coding-DNA position 2753, G replaced by T.
Protein change: p.Gly918Val; replaces glycine 918 with valine.
Molecular consequence: missense variant.
Genome position (GRCh38, 1-based): chr6:7,576,416, G>T. VCF-style: chr6-7576416-G-T. GRCh37 (hg19) VCF-style: chr6-7576649-G-T.
Other names: c.2753G>T, p.Gly918Val (NM_001008844.3, NM_001319034.2); short protein forms G918V.
Identifiers: ClinVar variation 2580035 (VCV002580035.1), dbSNP rs2533911636, ClinGen allele CA362682056.